The following is an entry in ClinVar:

ClinVar aggregate classification (germline): Likely benign (0 of 4 stars; one submission).

Conditions:
USH1C-related disorder. Also called: USH1C-related condition.

Submission:

PreventionGenetics, part of Exact Sciences
Classification: Likely benign for USH1C-related condition. Last evaluated: 2024-08-20. Review status: no assertion criteria provided. Collection method: clinical testing. Allele origin: germline.
Comment: This variant is classified as likely benign based on ACMG/AMP sequence variant interpretation guidelines (Richards et al. 2015 PMID: 25741868, with internal and published modifications).

NM_153676.4(USH1C):c.496+38T>G

Gene: USH1C (USH1 protein network component harmonin; minus strand). Cytogenetic location: 11p15.1.
Variant type: single nucleotide variant.
Coding change: c.496+38T>G on transcript NM_153676.4 (MANE Select); 38 bases into the intron after coding-DNA position 496, T replaced by G.
Molecular consequence: intron variant.
Genome position (GRCh38, 1-based): chr11:17,527,185, A>C on the plus strand (T>G on the coding strand, the complement: USH1C is on the minus strand). VCF-style: chr11-17527185-A-C. GRCh37 (hg19) VCF-style: chr11-17548732-A-C.
Other names: c.496+38T>G (NM_001297764.2, NM_005709.4).
Identifiers: ClinVar variation 3350852 (VCV003350852.1).
Genomic context (GRCh38, chr11:17,527,185, plus strand): 5'-CCCTCCCTCCCTCCCACCGTCATGGAGTACTGCCCTGCTCCCCCGCCCTCCCTCCCTCCC[A>C]CCGTCATGGAGTACTGCCCTGCTCTGGCCTCACTCACGTCTCACTTTGATGGACACAGTT-3'